The following is an entry in ClinVar:

ClinVar aggregate classification (germline): Uncertain significance (1 of 4 stars; one submission).

Allele frequency attached by ClinVar (database versions not stated): gnomAD exomes below 0.00001.
gnomAD v4.1: 1 of 1,614,032 alleles (0.000062%); highest among the groups gnomAD compares: Non-Finnish European, 0.000085%; no homozygotes.

Submission:

GeneDx
Classification: Uncertain significance. Last evaluated: 2022-03-03. Review status: criteria provided, single submitter. Criteria: GeneDx Variant Classification Process June 2021. Collection method: clinical testing. Allele origin: germline. Affected: yes.
Comment: Not observed at significant frequency in large population cohorts (gnomAD); In silico analysis supports that this missense variant does not alter protein structure/function; Has not been previously published as pathogenic or benign to our knowledge

NM_002470.4(MYH3):c.4141A>G (p.Ile1381Val)

Gene: MYH3 (myosin heavy chain 3; minus strand). Cytogenetic location: 17p13.1.
Variant type: single nucleotide variant.
Coding change: c.4141A>G on transcript NM_002470.4 (MANE Select); coding-DNA position 4141, A replaced by G.
Protein change: p.Ile1381Val; replaces isoleucine 1381 with valine.
Molecular consequence: missense variant.
Genome position (GRCh38, 1-based): chr17:10,635,398, T>C on the plus strand (A>G on the coding strand, the complement: MYH3 is on the minus strand). VCF-style: chr17-10635398-T-C. GRCh37 (hg19) VCF-style: chr17-10538715-T-C.
Other names: short protein forms I1381V.
Identifiers: ClinVar variation 1706956 (VCV001706956.2), dbSNP rs2508582826, ClinGen allele CA398144591.